The following is an entry in ClinVar:

NM_001365951.3(KIF1B):c.2957C>T (p.Pro986Leu)

Gene: KIF1B (kinesin family member 1B; plus strand). Cytogenetic location: 1p36.22.
Variant type: single nucleotide variant.
Coding change: c.2957C>T on transcript NM_001365951.3 (MANE Select); coding-DNA position 2957, C replaced by T.
Protein change: p.Pro986Leu; replaces proline 986 with leucine.
Molecular consequence: missense variant.
Genome position (GRCh38, 1-based): chr1:10,334,552, C>T. VCF-style: chr1-10334552-C-T. GRCh37 (hg19) VCF-style: chr1-10394610-C-T.
Other names: c.2957C>T, p.Pro986Leu (NM_001365952.1); c.2819C>T, p.Pro940Leu (NM_015074.3); short protein forms P940L, P986L.
Identifiers: ClinVar variation 1796404 (VCV001796404.3), dbSNP rs988518687, ClinGen allele CA17840384.

ClinVar aggregate classification (germline): Uncertain significance. Review status: criteria provided, multiple submitters, no conflicts (2 of 4 stars). 2 submissions from 2 submitters: Uncertain significance (2). Last evaluated 2025-06-19.

Conditions:
Charcot-Marie-Tooth disease type 2. Also called: Charcot-Marie-Tooth type 2. Identifiers: Orphanet 64746, MedGen C0270914, MONDO:0018993.

Allele frequency attached by ClinVar (database versions not stated): gnomAD 0.00001.
gnomAD v4.1: 12 of 1,613,842 alleles (0.00074%); highest among the groups gnomAD compares: Non-Finnish European, 0.001%; no homozygotes.

Submissions (2):

Labcorp Genetics (formerly Invitae), Labcorp
Classification: Uncertain significance for Charcot-Marie-Tooth disease type 2. Last evaluated: 2025-06-19. Review status: criteria provided, single submitter. Criteria: Invitae Variant Classification Sherloc (09022015). Collection method: clinical testing. Allele origin: germline.
Comment: This sequence change replaces proline, which is neutral and non-polar, with leucine, which is neutral and non-polar, at codon 940 of the KIF1B protein (p.Pro940Leu). This variant is present in population databases (no rsID available, gnomAD 0.002%). This variant has not been reported in the literature in individuals affected with KIF1B-related conditions. ClinVar contains an entry for this variant (Variation ID: 1796404). Invitae Evidence Modeling of protein sequence and biophysical properties (such as structural, functional, and spatial information, amino acid conservation, physicochemical variation, residue mobility, and thermodynamic stability) indicates that this missense variant is not expected to disrupt KIF1B protein function with a negative predictive value of 80%. In summary, the available evidence is currently insufficient to determine the role of this variant in disease. Therefore, it has been classified as a Variant of Uncertain Significance.

Ambry Genetics
Classification: Uncertain significance. Last evaluated: 2024-01-12. Review status: criteria provided, single submitter. Criteria: Ambry Variant Classification Scheme 2023. Collection method: clinical testing. Allele origin: germline.
Comment: The p.P940L variant (also known as c.2819C>T), located in coding exon 25 of the KIF1B gene, results from a C to T substitution at nucleotide position 2819. The proline at codon 940 is replaced by leucine, an amino acid with similar properties. This amino acid position is highly conserved in available vertebrate species. In addition, the in silico prediction for this alteration is inconclusive. Since supporting evidence is limited at this time, the clinical significance of this alteration remains unclear.